The following is an entry in ClinVar:

ClinVar aggregate classification (germline): Likely pathogenic. Review status: criteria provided, single submitter (1 of 4 stars). 2 submissions from 2 submitters: Likely pathogenic (1). 1 of the submissions does not count toward it. Last evaluated 2019-02-28.

Conditions:
Congenital anomalies of kidney and urinary tract syndrome with or without hearing loss, abnormal ears, or developmental delay. Also called: Congenital Anomalies of the Kidney and Urinary Tract syndrome with or without Hearing Loss, Abnormal Ears, or Developmental Delay. Identifiers: Orphanet 656130, MedGen C4539968, MONDO:0060549, OMIM 617641.
PBX1-related intellectual disability and pleiotropic developmental defects.

Submissions (2):

Illumina Laboratory Services, Illumina
Classification: Likely pathogenic for PBX1-related intellectual disability and pleiotropic developmental defects. Last evaluated: 2019-02-28. Review status: criteria provided, single submitter. Criteria: ICSLVariantClassificationCriteria RUGD 01 April 2020. Collection method: clinical testing. Allele origin: unknown.
Comment: The probandâ€™s phenotype included global developmental delay, hypotonia and a history of a patent PDA ligation and pulmonary artery hypertension. Polyhydramnios and decreased fetal movements had led to emergency C-section at 32 weeks gestation. The p.Arg234Pro variant is not found in the Genome Aggregation Database. The Arg234 is a highly conserved residue located within the homeobox domain of PBX1. An in vitro luciferase assay, using heterologous expression of a PBX1 p.Arg234Pro construct, demonstrated that this variant has reduced transcriptional activity compared to the wild type (Slavotinek et al. 2017). Based on the collective evidence and application of the ACMG criteria, the PBX1 p.Arg234Pro variant is classified as likely pathogenic for PBX1-related intellectual disability and pleiotropic developmental defects.

OMIM
Classification: Pathogenic for CONGENITAL ANOMALIES OF KIDNEY AND URINARY TRACT SYNDROME WITHOUT HEARING LOSS OR ABNORMAL EARS, WITH DEVELOPMENTAL DELAY. Last evaluated: 2018-04-26. Review status: no assertion criteria provided. Collection method: literature only. Allele origin: germline. Not counted in ClinVar's aggregate classification.

Literature cited by the submitters: PubMed 29036646 (cited by Illumina Laboratory Services, Illumina and OMIM).

NM_002585.4(PBX1):c.701G>C (p.Arg234Pro)

Gene: PBX1 (PBX homeobox 1; plus strand). Cytogenetic location: 1q23.3.
Variant type: single nucleotide variant.
Coding change: c.701G>C on transcript NM_002585.4 (MANE Select); coding-DNA position 701, G replaced by C.
Protein change: p.Arg234Pro; replaces arginine 234 with proline.
Molecular consequence: missense variant.
Genome position (GRCh38, 1-based): chr1:164,799,889, G>C. VCF-style: chr1-164799889-G-C. GRCh37 (hg19) VCF-style: chr1-164769126-G-C.
Other names: c.701G>C, p.Arg234Pro (NM_001204961.2, NM_001204963.2, NM_001353131.2); c.452G>C, p.Arg151Pro (NM_001353130.1); short protein forms R234P, R151P.
Identifiers: ClinVar variation 523089 (VCV000523089.5), dbSNP rs1553248112, ClinGen allele CA343471119.